The following is an entry in ClinVar:

ClinVar aggregate classification (germline): Uncertain significance. Review status: criteria provided, multiple submitters, no conflicts (2 of 4 stars). 3 submissions from 3 submitters: Uncertain significance (3). Last evaluated 2025-09-16.

Conditions:
Gastrointestinal stromal tumor. Also called: Gastrointestinal stromal tumor, somatic; Gastrointestinal stroma tumor. Identifiers: Orphanet 44890, MedGen C0238198, MeSH D046152, MONDO:0011719, OMIM 606764, HP:0100723.
Hereditary cancer-predisposing syndrome. Also called: Tumor predisposition; Neoplastic Syndromes, Hereditary; Hereditary neoplastic syndrome; Hereditary Cancer Syndrome. Identifiers: Orphanet 140162, MedGen C0027672, MeSH D009386, MONDO:0015356.

gnomAD v4.1: 1 of 1,613,692 alleles (0.000062%); highest among the groups gnomAD compares: Non-Finnish European, 0.000085%; no homozygotes.

Submissions (3):

Labcorp Genetics (formerly Invitae), Labcorp
Classification: Uncertain significance for Gastrointestinal stromal tumor. Last evaluated: 2025-09-16. Review status: criteria provided, single submitter. Criteria: Invitae Variant Classification Sherloc (09022015). Collection method: clinical testing. Allele origin: germline.
Comment: This sequence change replaces alanine, which is neutral and non-polar, with glutamic acid, which is acidic and polar, at codon 698 of the KIT protein (p.Ala698Glu). This variant is not present in population databases (gnomAD no frequency). This variant has not been reported in the literature in individuals affected with KIT-related conditions. ClinVar contains an entry for this variant (Variation ID: 1059060). An algorithm developed to predict the effect of missense changes on protein structure and function (PolyPhen-2) suggests that this variant is likely to be disruptive. In summary, the available evidence is currently insufficient to determine the role of this variant in disease. Therefore, it has been classified as a Variant of Uncertain Significance.

Ambry Genetics
Classification: Uncertain significance for Hereditary cancer-predisposing syndrome. Last evaluated: 2025-03-11. Review status: criteria provided, single submitter. Criteria: Ambry Variant Classification Scheme 2023. Collection method: clinical testing. Allele origin: germline.
Comment: The p.A698E variant (also known as c.2093C>A), located in coding exon 14 of the KIT gene, results from a C to A substitution at nucleotide position 2093. The alanine at codon 698 is replaced by glutamic acid, an amino acid with dissimilar properties. This amino acid position is not well conserved in available vertebrate species. In addition, this alteration is predicted to be tolerated by in silico analysis. Based on the available evidence, the clinical significance of this variant remains unclear.

Baylor Genetics
Classification: Uncertain significance for Gastrointestinal stromal tumor. Last evaluated: 2024-03-14. Review status: criteria provided, single submitter. Criteria: ACMG Guidelines, 2015. Collection method: clinical testing. Allele origin: unknown.

NM_000222.3(KIT):c.2093C>A (p.Ala698Glu)

Gene: KIT (KIT proto-oncogene, receptor tyrosine kinase; plus strand). Cytogenetic location: 4q12.
Variant type: single nucleotide variant.
Coding change: c.2093C>A on transcript NM_000222.3 (MANE Select); coding-DNA position 2093, C replaced by A.
Protein change: p.Ala698Glu; replaces alanine 698 with glutamic acid.
Molecular consequence: missense variant.
Genome position (GRCh38, 1-based): chr4:54,729,437, C>A. VCF-style: chr4-54729437-C-A. GRCh37 (hg19) VCF-style: chr4-55595603-C-A.
Other names: c.2093C>A (NM_000222.2); c.2081C>A, p.Ala694Glu (NM_001093772.2, NM_001385286.1); c.2096C>A, p.Ala699Glu (NM_001385284.1, NM_001385290.1); c.2093C>A, p.Ala698Glu (NM_001385285.1); c.2084C>A, p.Ala695Glu (NM_001385288.1, NM_001385292.1); short protein forms A694E, A695E, A698E, A699E.
Identifiers: ClinVar variation 1059060 (VCV001059060.11), dbSNP rs780329057, ClinGen allele CA356909720.